The following is an entry in ClinVar:

ClinVar aggregate classification (germline): Benign/Likely benign. Review status: criteria provided, multiple submitters, no conflicts (2 of 4 stars). 4 submissions from 4 submitters: Benign (3); Likely benign (1). Last evaluated 2026-02-01.

Conditions:
Epidermolysis bullosa, junctional 6, with pyloric atresia. Also called: ITGA6-Related Epidermolysis Bullosa with Pyloric Atresia. Identifiers: MedGen C5676957, MONDO:0859233, OMIM 619817.
Junctional epidermolysis bullosa with pyloric atresia. Also called: CARMI SYNDROME; EB-PA-ACC; ITGB4-Related Epidermolysis Bullosa with Pyloric Atresia; APLASIA CUTIS CONGENITA WITH GASTROINTESTINAL ATRESIA; Epidermolysis bullosa, junctional, with pyloric atresia and aplasia cutis congenita; Epidermolysis bullosa junctionalis with pyloric atresia. Identifiers: Orphanet 79403, MedGen C5676875, MONDO:0009183, OMIM 226730.

Allele frequency attached by ClinVar (database versions not stated): gnomAD exomes 0.00057; ESP Exome Variant Server 0.00761; 1000 Genomes Project 0.00839; 1000 Genomes Project 30x 0.00937; gnomAD 0.00669 and 0.00631; TOPMed 0.00734.
gnomAD v4.1: 1,857 of 1,612,394 alleles (0.12%); highest among the groups gnomAD compares: African/African-American, 2.1%; 19 homozygotes.

Submissions (4):

Labcorp Genetics (formerly Invitae), Labcorp
Classification: Benign. Last evaluated: 2026-02-01. Review status: criteria provided, single submitter. Criteria: Invitae Variant Classification Sherloc (09022015). Collection method: clinical testing. Allele origin: germline.

Fulgent Genetics
Classification: Likely benign for Epidermolysis bullosa, junctional 6, with pyloric atresia. Last evaluated: 2021-07-21. Review status: criteria provided, single submitter. Criteria: ACMG Guidelines, 2015. Collection method: clinical testing. Allele origin: unknown.

Illumina Laboratory Services, Illumina
Classification: Benign for Junctional epidermolysis bullosa with pyloric atresia. Last evaluated: 2018-01-13. Review status: criteria provided, single submitter. Criteria: ICSL Variant Classification Criteria 13 December 2019. Collection method: clinical testing. Allele origin: germline.
Comment: This variant was observed in the ICSL laboratory as part of a predisposition screen in an ostensibly healthy population. It had not been previously curated by ICSL or reported in the Human Gene Mutation Database (HGMD: prior to June 1st, 2018), and was therefore a candidate for classification through an automated scoring system. Utilizing variant allele frequency, disease prevalence and penetrance estimates, and inheritance mode, an automated score was calculated to assess if this variant is too frequent to cause the disease. Based on the score and internal cut-off values, a variant classified as benign is not then subjected to further curation. The score for this variant resulted in a classification of benign for this disease.

Breakthrough Genomics
Classification: Benign. Review status: criteria provided, single submitter. Criteria: ACMG Guidelines, 2015. Collection method: not provided. Allele origin: germline. Inheritance: Autosomal recessive inheritance. Affected: yes.

NM_000210.4(ITGA6):c.2820G>A (p.Pro940=)

Genes: PDK1-AS1 (PDK1 and ITGA6 antisense RNA 1; minus strand), ITGA6 (integrin subunit alpha 6; plus strand). Cytogenetic location: 2q31.1.
Variant type: single nucleotide variant.
Coding change: c.2820G>A on transcript NM_000210.4 (MANE Select); coding-DNA position 2820, G replaced by A.
Protein change: p.Pro940=; no amino-acid change (proline 940 retained).
Molecular consequence: synonymous variant.
Genome position (GRCh38, 1-based): chr2:172,491,262, G>A. VCF-style: chr2-172491262-G-A. GRCh37 (hg19) VCF-style: chr2-173355990-G-A.
Other names: c.2820G>A, p.Pro940= (NM_001079818.3); c.2463G>A, p.Pro821= (NM_001316306.2); c.2775G>A, p.Pro925= (NM_001365529.2, NM_001365530.2).
Identifiers: ClinVar variation 332382 (VCV000332382.16), dbSNP rs34599583, ClinGen allele CA1968503.